The following is an entry in ClinVar:

NM_001195553.2(DCX):c.1044+234G>A

Gene: DCX (doublecortin; minus strand). Cytogenetic location: Xq23.
Variant type: single nucleotide variant.
Coding change: c.1044+234G>A on transcript NM_001195553.2 (MANE Select); 234 bases into the intron after coding-DNA position 1044, G replaced by A.
Molecular consequence: intron variant.
Genome position (GRCh38, 1-based): chrX:111,312,405, C>T on the plus strand (G>A on the coding strand, the complement: DCX is on the minus strand). VCF-style: chrX-111312405-C-T. GRCh37 (hg19) VCF-style: chrX-110555633-C-T.
Other names: c.932-10662G>A (NM_001369373.1, NM_001369374.1); c.1026+237G>A (NM_178153.3, NM_178151.3); c.1029+234G>A (NM_001369372.1); c.1041+237G>A (NM_178152.3, NM_001369371.1); c.1044+234G>A (NM_001369370.1); c.1269+237G>A (NM_000555.3).
Identifiers: ClinVar variation 676961 (VCV000676961.1), dbSNP rs41311727, ClinGen allele CA334413527.
Genomic context (GRCh38, chrX:111,312,405, plus strand): 5'-CAACCCATGTCCCAAAGCATGGTTTGGTTACCTCATTAGCTTTGGAGACCTTTTGGAAAC[C>T]CTTTGGAAGAAGTGCTAGAATGTAGCAGGAAATAAGTCAGGAATTGGAGGAATAAATAAA-3'

ClinVar aggregate classification (germline): Benign (1 of 4 stars; one submission).

Allele frequency attached by ClinVar (database versions not stated): TOPMed 0.07050; 1000 Genomes Project 30x 0.07055.
gnomAD v4.1: 7,079 of 111,328 alleles (6.4%); highest among the groups gnomAD compares: African/African-American, 21%; 500 homozygotes.

Submission:

GeneDx
Classification: Benign. Last evaluated: 2018-06-14. Review status: criteria provided, single submitter. Criteria: GeneDx Variant Classification (06012015). Collection method: clinical testing. Allele origin: germline. Affected: yes.
Comment: This variant is considered likely benign or benign based on one or more of the following criteria: it is a conservative change, it occurs at a poorly conserved position in the protein, it is predicted to be benign by multiple in silico algorithms, and/or has population frequency not consistent with disease.